The following is an entry in ClinVar:

ClinVar aggregate classification (germline): Uncertain significance. Review status: criteria provided, multiple submitters, no conflicts (2 of 4 stars). 3 submissions from 3 submitters: Uncertain significance (3). Last evaluated 2025-08-24.

Conditions:
Inborn genetic diseases. Identifiers: MedGen C0950123, MeSH D030342.
Cataract 6 multiple types. Also called: CATARACT 6, POSTERIOR POLAR; CATARACT 6, CONGENITAL TOTAL; CATARACT, AGE-RELATED CORTICAL, 2. Identifiers: Orphanet 91492, MedGen C1861825, MONDO:0007288, OMIM 116600.

Allele frequency attached by ClinVar (database versions not stated): gnomAD exomes below 0.00001 and 0.00002; ExAC 0.00002; TOPMed 0.00002; gnomAD 0.00003 and 0.00004.
gnomAD v4.1: 11 of 1,613,946 alleles (0.00068%); highest among the groups gnomAD compares: African/African-American, 0.004%; no homozygotes.

Submissions (3):

Ambry Genetics
Classification: Uncertain significance for Inborn genetic diseases. Last evaluated: 2025-08-24. Review status: criteria provided, single submitter. Criteria: Ambry Variant Classification Scheme 2023. Collection method: clinical testing. Allele origin: germline.

Labcorp Genetics (formerly Invitae), Labcorp
Classification: Uncertain significance for Cataract 6 multiple types. Last evaluated: 2025-02-10. Review status: criteria provided, single submitter. Criteria: Invitae Variant Classification Sherloc (09022015). Collection method: clinical testing. Allele origin: germline.
Comment: This sequence change replaces aspartic acid, which is acidic and polar, with asparagine, which is neutral and polar, at codon 148 of the EPHA2 protein (p.Asp148Asn). This variant is present in population databases (rs754447639, gnomAD 0.006%). This variant has not been reported in the literature in individuals affected with EPHA2-related conditions. ClinVar contains an entry for this variant (Variation ID: 452716). Invitae Evidence Modeling of protein sequence and biophysical properties (such as structural, functional, and spatial information, amino acid conservation, physicochemical variation, residue mobility, and thermodynamic stability) indicates that this missense variant is expected to disrupt EPHA2 protein function with a positive predictive value of 80%. In summary, the available evidence is currently insufficient to determine the role of this variant in disease. Therefore, it has been classified as a Variant of Uncertain Significance.

GeneDx
Classification: Uncertain significance. Last evaluated: 2017-10-16. Review status: criteria provided, single submitter. Criteria: GeneDx Variant Classification (06012015). Collection method: clinical testing. Allele origin: germline. Affected: yes.
Comment: The D148N variant in the EPHA2 gene has not been reported previously as a pathogenic variant, nor as a benign variant, to our knowledge. The D148N variant is observed in 1/17,248 (0.006%) alleles from individuals of East Asian background in the ExAC dataset (Lek et al., 2016). The D148N variant is a semi-conservative amino acid substitution, which may impact secondary protein structure as these residues differ in some properties. This substitution occurs at a position that is conserved across species, and in silico analysis predicts this variant is probably damaging to the protein structure/function. We interpret D148N as a variant of uncertain significance.

NM_004431.5(EPHA2):c.442G>A (p.Asp148Asn)

Gene: EPHA2 (EPH receptor A2; minus strand). Cytogenetic location: 1p36.13.
Variant type: single nucleotide variant.
Coding change: c.442G>A on transcript NM_004431.5 (MANE Select); coding-DNA position 442, G replaced by A.
Protein change: p.Asp148Asn; replaces aspartic acid 148 with asparagine.
Molecular consequence: missense variant.
Genome position (GRCh38, 1-based): chr1:16,148,759, C>T on the plus strand (G>A on the coding strand, the complement: EPHA2 is on the minus strand). VCF-style: chr1-16148759-C-T. GRCh37 (hg19) VCF-style: chr1-16475254-C-T.
Other names: c.280G>A, p.Asp94Asn (NM_001329090.2); short protein forms D148N, D94N.
Identifiers: ClinVar variation 452716 (VCV000452716.9), dbSNP rs754447639, ClinGen allele CA625523.